The following is an entry in ClinVar:

NM_173500.4(TTBK2):c.432+145del

Gene: TTBK2 (tau tubulin kinase 2; minus strand). Cytogenetic location: 15q15.2.
Variant type: Deletion.
Coding change: c.432+145del on transcript NM_173500.4 (MANE Select); 145 bases into the intron after coding-DNA position 432, one base deleted (C; older notation c.432+145delC).
Molecular consequence: intron variant.
Genome position (GRCh38, 1-based): chr15:42,829,793, G deleted on the plus strand (C on the coding strand, the reverse complement: TTBK2 is on the minus strand). VCF-style (leftmost placement, unchanged base first): chr15-42829792-TG-T. GRCh37 (hg19) VCF-style: chr15-43121990-TG-T.
Identifiers: ClinVar variation 1700464 (VCV001700464.2), dbSNP rs199608469, ClinGen allele CA269921197.

ClinVar aggregate classification (germline): Likely benign (1 of 4 stars; one submission).

Allele frequency attached by ClinVar (database versions not stated): gnomAD exomes 0.00039; gnomAD 0.00352 and 0.00373; TOPMed 0.00390; 1000 Genomes Project 0.00399; 1000 Genomes Project 30x 0.00422.

Submission:

GeneDx
Classification: Likely benign. Last evaluated: 2021-05-22. Review status: criteria provided, single submitter. Criteria: GeneDx Variant Classification Process June 2021. Collection method: clinical testing. Allele origin: germline. Affected: yes.
Comment: See Variant Classification Assertion Criteria.